The following is an entry in ClinVar:

NM_001042492.3(NF1):c.1019C>T (p.Ser340Phe)

Gene: NF1 (neurofibromin 1; plus strand). Cytogenetic location: 17q11.2.
Variant type: single nucleotide variant.
Coding change: c.1019C>T on transcript NM_001042492.3 (MANE Select); coding-DNA position 1019, C replaced by T.
Protein change: p.Ser340Phe; replaces serine 340 with phenylalanine.
Molecular consequence: missense variant.
Genome position (GRCh38, 1-based): chr17:31,200,552, C>T. VCF-style: chr17-31200552-C-T. GRCh37 (hg19) VCF-style: chr17-29527570-C-T.
Other names: c.1019C>T, p.Ser340Phe (NM_000267.4, NM_001128147.3); short protein forms S340F.
Identifiers: ClinVar variation 4800714 (VCV004800714.1).

ClinVar aggregate classification (germline): Uncertain significance (1 of 4 stars; one submission).

Conditions:
Neurofibromatosis, type 1 (NF1). Also called: VON RECKLINGHAUSEN DISEASE; Neurofibromatosis, type I; NEUROFIBROMATOSIS, TYPE I, SOMATIC; Peripheral type neurofibromatosis. Identifiers: Orphanet 636, MedGen C0027831, MONDO:0018975, OMIM 162200. Disease mechanism: loss of function.

Submission:

Labcorp Genetics (formerly Invitae), Labcorp
Classification: Uncertain significance for Neurofibromatosis, type 1. Last evaluated: 2026-01-28. Review status: criteria provided, single submitter. Criteria: Invitae Variant Classification Sherloc (09022015). Collection method: clinical testing. Allele origin: germline.
Comment: This sequence change replaces serine, which is neutral and polar, with phenylalanine, which is neutral and non-polar, at codon 340 of the NF1 protein (p.Ser340Phe). This variant is not present in population databases (gnomAD no frequency). This variant has not been reported in the literature in individuals affected with NF1-related conditions. Invitae Evidence Modeling of protein sequence and biophysical properties (such as structural, functional, and spatial information, amino acid conservation, physicochemical variation, residue mobility, and thermodynamic stability) indicates that this missense variant is expected to disrupt NF1 protein function with a positive predictive value of 95%. In summary, the available evidence is currently insufficient to determine the role of this variant in disease. Therefore, it has been classified as a Variant of Uncertain Significance.